The following is an entry in ClinVar:

ClinVar aggregate classification (germline): Likely benign. Review status: criteria provided, multiple submitters, no conflicts (2 of 4 stars). 2 submissions from 2 submitters: Likely benign (2). Last evaluated 2026-02-01.

Conditions:
Mucopolysaccharidosis, MPS-III-A (MPS3A). Also called: Mucopolysaccharidosis type IIIA (Sanfilippo A); MPS III A; HEPARAN SULFATE SULFATASE DEFICIENCY; SANFILIPPO SYNDROME A; SULFAMIDASE DEFICIENCY; MUCOPOLYSACCHARIDOSIS, TYPE IIIA, ATTENUATED. Identifiers: Orphanet 581, Orphanet 79269, MedGen C0086647, MONDO:0009655, OMIM 252900.

Submissions (2):

CeGaT Center for Human Genetics Tuebingen
Classification: Likely benign. Last evaluated: 2026-02-01. Review status: criteria provided, single submitter. Criteria: CeGaT Center For Human Genetics Tuebingen Variant Classification Criteria Version 2. Collection method: clinical testing. Allele origin: germline. Affected: yes. Observed: 1 variant allele.
Comment: SGSH: PM2:Supporting, BP4, BP7

Labcorp Genetics (formerly Invitae), Labcorp
Classification: Likely benign for Mucopolysaccharidosis, MPS-III-A. Last evaluated: 2023-04-23. Review status: criteria provided, single submitter. Criteria: Invitae Variant Classification Sherloc (09022015). Collection method: clinical testing. Allele origin: germline.

NM_000199.5(SGSH):c.1020C>T (p.Thr340=)

Gene: SGSH (N-sulfoglucosamine sulfohydrolase; minus strand). Cytogenetic location: 17q25.3.
Variant type: single nucleotide variant.
Coding change: c.1020C>T on transcript NM_000199.5 (MANE Select); coding-DNA position 1020, C replaced by T.
Protein change: p.Thr340=; no amino-acid change (threonine 340 retained).
Molecular consequence: synonymous variant. On other transcripts: 3 prime UTR variant (2), non-coding transcript variant (1).
Genome position (GRCh38, 1-based): chr17:80,210,941, G>A on the plus strand (C>T on the coding strand, the complement: SGSH is on the minus strand). VCF-style: chr17-80210941-G-A. GRCh37 (hg19) VCF-style: chr17-78184740-G-A.
Other names: c.*107C>T (NM_001352921.3); c.*70C>T (NM_001352922.2).
Identifiers: ClinVar variation 2858540 (VCV002858540.7), dbSNP rs2510861479, ClinGen allele CA502404660.